The following is an entry in ClinVar:

NM_000181.4(GUSB):c.1435G>T (p.Val479Leu)

Gene: GUSB (glucuronidase beta; minus strand). Cytogenetic location: 7q11.21.
Variant type: single nucleotide variant.
Coding change: c.1435G>T on transcript NM_000181.4 (MANE Select); coding-DNA position 1435, G replaced by T.
Protein change: p.Val479Leu; replaces valine 479 with leucine.
Molecular consequence: missense variant.
Genome position (GRCh38, 1-based): chr7:65,970,323, C>A on the plus strand (G>T on the coding strand, the complement: GUSB is on the minus strand). VCF-style: chr7-65970323-C-A. GRCh37 (hg19) VCF-style: chr7-65435310-C-A.
Other names: c.997G>T, p.Val333Leu (NM_001284290.2); c.865G>T, p.Val289Leu (NM_001293104.2); c.778G>T, p.Val260Leu (NM_001293105.2); short protein forms V260L, V289L, V333L, V479L.
Identifiers: ClinVar variation 3360939 (VCV003360939.2).
Genomic context (GRCh38, chr7:65,970,323, plus strand): 5'-TGGGGACCCCCAGGCTCACCCCCTTGTCTGCTGCATAGTTAGAGTTGCTCACAAAGGTCA[C>A]AGGCCGGGAGGGGTCCAAGGATTTGGTGTGAGCGATCACCATCCTGTCCACAAAAGGCAG-3'
Protein context (NP_000172.2, residues 469-489): HTKSLDPSRP[Val479Leu]TFVSNSNYAA

ClinVar aggregate classification (germline): Uncertain significance (1 of 4 stars; one submission).

Submission:

GeneDx
Classification: Uncertain significance. Last evaluated: 2024-12-06. Review status: criteria provided, single submitter. Criteria: GeneDx Variant Classification Process June 2021. Collection method: clinical testing. Allele origin: germline.
Comment: Not observed at significant frequency in large population cohorts (gnomAD); In silico analysis indicates that this missense variant does not alter protein structure/function; Has not been previously published as pathogenic or benign to our knowledge